The following is an entry in ClinVar:

NM_004714.3(DYRK1B):c.1375C>T (p.Pro459Ser)

Gene: DYRK1B (dual specificity tyrosine phosphorylation regulated kinase 1B; minus strand). Cytogenetic location: 19q13.2.
Variant type: single nucleotide variant.
Coding change: c.1375C>T on transcript NM_004714.3 (MANE Select); coding-DNA position 1375, C replaced by T.
Protein change: p.Pro459Ser; replaces proline 459 with serine.
Molecular consequence: missense variant.
Genome position (GRCh38, 1-based): chr19:39,826,708, G>A on the plus strand (C>T on the coding strand, the complement: DYRK1B is on the minus strand). VCF-style: chr19-39826708-G-A. GRCh37 (hg19) VCF-style: chr19-40317348-G-A.
Other names: c.1255C>T, p.Pro419Ser (NM_006483.3); c.1291C>T, p.Pro431Ser (NM_006484.3); short protein forms P419S, P431S, P459S.
Identifiers: ClinVar variation 4985365 (VCV004985365.1).

ClinVar aggregate classification (germline): Uncertain significance (1 of 4 stars; one submission).

Conditions:
DYRK1B-related disorder. Also called: DYRK1B-related condition.

Submission:

PreventionGenetics, part of Exact Sciences
Classification: Uncertain significance for DYRK1B-related condition. Last evaluated: 2025-02-26. Review status: criteria provided, single submitter. Criteria: ACMG Guidelines, 2015. Collection method: clinical testing. Allele origin: germline.
Comment: The DYRK1B c.1375C>T variant is predicted to result in the amino acid substitution p.Pro459Ser. To our knowledge, this variant has not been reported in the literature. This variant is reported in 0.0058% of alleles in individuals of East Asian descent in gnomAD. At this time, the clinical significance of this variant is uncertain due to the absence of conclusive functional and genetic evidence.